The following is an entry in ClinVar:

NM_001085458.2(CTNND1):c.2905del (p.Ter969SerextTer?)

Genes: CTNND1 (catenin delta 1; plus strand), TMX2-CTNND1 (TMX2-CTNND1 readthrough (NMD candidate); plus strand). Cytogenetic location: 11q12.1.
Variant type: Deletion.
Coding change: c.2905del on transcript NM_001085458.2 (MANE Select); coding-DNA position 2905, one base deleted (T; older notation c.2905delT).
Protein change: p.Ter969SerextTer?.
Molecular consequence: frameshift variant, stop lost. On other transcripts: non-coding transcript variant (1).
Genome position (GRCh38, 1-based): chr11:57,816,306, T deleted; the last of 3 consecutive T bases (chr11:57,816,304-57,816,306); deleting any one gives the same sequence. VCF-style (leftmost placement, unchanged base first): chr11-57816303-AT-A. GRCh37 (hg19) VCF-style: chr11-57583775-AT-A.
Other names: c.2887del, p.Ter963SerextTer? (NM_001085459.2); c.2800del, p.Ter934SerextTer? (NM_001085460.2, NM_001085461.2, NM_001085462.2); c.2602del, p.Ter868SerextTer? (NM_001085463.2); c.2584del, p.Ter862SerextTer? (NM_001085464.2); c.2521del, p.Ter841SerextTer? (NM_001085465.2); c.2515del, p.Ter839SerextTer? (NM_001085466.2); c.2497del, p.Ter833SerextTer? (NM_001085467.2, NM_001085468.2, NM_001085469.2 and 1 more transcripts); c.2743del, p.Ter915SerextTer? (NM_001206883.2); and 6 more.
Identifiers: ClinVar variation 4082568 (VCV004082568.1).

ClinVar aggregate classification (germline): Uncertain significance (1 of 4 stars; one submission).

Submission:

GeneDx
Classification: Uncertain significance. Last evaluated: 2025-03-03. Review status: criteria provided, single submitter. Criteria: GeneDx Variant Classification Process June 2021. Collection method: clinical testing. Allele origin: germline. Affected: yes.
Comment: Reported as a variant of uncertain significance in a hospitalized infant, however additional clinical information was not provided (PMID: 37432431); Not observed at significant frequency in large population cohorts (gnomAD); Stop codon loss and change to a serine codon, leading to protein extension and the addition of 18 amino acid(s) at the C-terminus; This variant is associated with the following publications: (PMID: 37432431)